The following is an entry in ClinVar:

ClinVar aggregate classification (germline): Conflicting classifications of pathogenicity. Review status: criteria provided, conflicting classifications (1 of 4 stars). 2 submissions from 2 submitters: Uncertain significance (1); Likely benign (1). Last evaluated 2025-03-16.

Conditions:
Inborn genetic diseases. Identifiers: MedGen C0950123, MeSH D030342.
Methylcobalamin deficiency type cblE (HMAE). Also called: VITAMIN B12-RESPONSIVE HOMOCYSTINURIA, cblE TYPE; HOMOCYSTINURIA-MEGALOBLASTIC ANEMIA, cblE COMPLEMENTATION TYPE; HOMOCYSTINURIA-MEGALOBLASTIC ANEMIA, cblE TYPE. Identifiers: Orphanet 2169, Orphanet 622, MedGen C1856057, MONDO:0009354, OMIM 236270.

Allele frequency attached by ClinVar (database versions not stated): ExAC 0.00002; ESP Exome Variant Server 0.00008.
gnomAD v4.1: 5 of 1,612,740 alleles (0.00031%); highest among the groups gnomAD compares: Middle Eastern, 0.016%; no homozygotes.

Submissions (2):

Ambry Genetics
Classification: Likely benign for Inborn genetic diseases. Last evaluated: 2025-03-16. Review status: criteria provided, single submitter. Criteria: Ambry Variant Classification Scheme 2023. Collection method: clinical testing. Allele origin: germline.

Labcorp Genetics (formerly Invitae), Labcorp
Classification: Uncertain significance for Methylcobalamin deficiency type cblE. Last evaluated: 2022-04-04. Review status: criteria provided, single submitter. Criteria: Invitae Variant Classification Sherloc (09022015). Collection method: clinical testing. Allele origin: germline.
Comment: This sequence change replaces threonine, which is neutral and polar, with alanine, which is neutral and non-polar, at codon 355 of the MTRR protein (p.Thr355Ala). This variant is present in population databases (rs375332745, gnomAD 0.004%). This variant has not been reported in the literature in individuals affected with MTRR-related conditions. Algorithms developed to predict the effect of missense changes on protein structure and function output the following: SIFT: "Tolerated"; PolyPhen-2: "Benign"; Align-GVGD: "Class C0". The alanine amino acid residue is found in multiple mammalian species, which suggests that this missense change does not adversely affect protein function. In summary, the available evidence is currently insufficient to determine the role of this variant in disease. Therefore, it has been classified as a Variant of Uncertain Significance.

NM_002454.3(MTRR):c.1063A>G (p.Thr355Ala)

Gene: MTRR (5-methyltetrahydrofolate-homocysteine methyltransferase reductase; plus strand). Cytogenetic location: 5p15.31.
Variant type: single nucleotide variant.
Coding change: c.1063A>G on transcript NM_002454.3 (MANE Select); coding-DNA position 1063, A replaced by G.
Protein change: p.Thr355Ala; replaces threonine 355 with alanine.
Molecular consequence: missense variant. On other transcripts: non-coding transcript variant (12).
Genome position (GRCh38, 1-based): chr5:7,886,620, A>G. VCF-style: chr5-7886620-A-G. GRCh37 (hg19) VCF-style: chr5-7886733-A-G.
Other names: c.1063A>G, p.Thr355Ala (NM_001364440.2, NM_001364441.2, NM_001364442.2 and 1 more transcripts); c.1063A>G (NM_002454.2); short protein forms T355A.
Identifiers: ClinVar variation 1981292 (VCV001981292.2), dbSNP rs375332745, ClinGen allele CA3195814.